The following is an entry in ClinVar:

NM_002860.4(ALDH18A1):c.2207-7_2207-6inv

Gene: ALDH18A1 (aldehyde dehydrogenase 18 family member A1; minus strand). Cytogenetic location: 10q24.1.
Variant type: Inversion.
Coding change: c.2207-7_2207-6inv on transcript NM_002860.4 (MANE Select).
Molecular consequence: intron variant.
Genome position: GRCh38 VCF-style: chr10-95606949-AA-TT. GRCh37 (hg19) VCF-style: chr10-97366706-AA-TT.
Other names: c.1571-7_1571-6inv (NM_001323419.2); c.1874-7_1874-6inv (NM_001323412.2, NM_001323416.2); c.2102-7_2102-6inv (NM_001323417.2); c.2201-7_2201-6inv (NM_001017423.2, NM_001323415.2); c.1868-7_1868-6inv (NM_001323418.2); c.2207-7_2207-6inv (NM_001323413.2, NM_001323414.2).
Identifiers: ClinVar variation 2954286 (VCV002954286.3), ClinGen allele CA2740093483.
Genomic context (GRCh38, chr10:95,606,949, plus strand): 5'-AGTCCTACTGGTCCCCGGGCGTGGATTCTCGATGTACTGATTCCCACTTCAGCTCCTGTG[AA>TT]AAAGCATGAATAAAAGATGTAGCTTTTCCCAGCCTCTGCTTCCTGTCCATGCCCCAGACC-3'

ClinVar aggregate classification (germline): Uncertain significance (1 of 4 stars; one submission).

Conditions:
Cutis laxa, autosomal dominant 3 (ADCL3). Identifiers: Orphanet 90348, MedGen C4225268, MONDO:0014706, OMIM 616603.
Autosomal dominant spastic paraplegia type 9. Identifiers: MedGen C1832669, MONDO:0015091.
de Barsy syndrome. Also called: Cutis laxa-corneal clouding-oligophrenia syndrome. Identifiers: Orphanet 2962, MedGen C0268354, MONDO:0017569.

Submission:

Labcorp Genetics (formerly Invitae), Labcorp
Classification: Uncertain significance for Autosomal dominant spastic paraplegia type 9; de Barsy syndrome; Cutis laxa, autosomal dominant 3. Last evaluated: 2024-01-11. Review status: criteria provided, single submitter. Criteria: Invitae Variant Classification Sherloc (09022015). Collection method: clinical testing. Allele origin: germline.
Comment: This sequence change falls in intron 17 of the ALDH18A1 gene. It does not directly change the encoded amino acid sequence of the ALDH18A1 protein. Information on the frequency of this variant in the gnomAD database is not available, as this variant may be reported differently in the database. This variant has not been reported in the literature in individuals affected with ALDH18A1-related conditions. Experimental studies and prediction algorithms are not available or were not evaluated, and the effect of this variant on mRNA splicing is currently unknown. In summary, the available evidence is currently insufficient to determine the role of this variant in disease. Therefore, it has been classified as a Variant of Uncertain Significance.